The following is an entry in ClinVar:

NM_000432.4(MYL2):c.274G>A (p.Gly92Arg)

Gene: MYL2 (myosin light chain 2; minus strand). Cytogenetic location: 12q24.11.
Variant type: single nucleotide variant.
Coding change: c.274G>A on transcript NM_000432.4 (MANE Select); coding-DNA position 274, G replaced by A.
Protein change: p.Gly92Arg; replaces glycine 92 with arginine.
Molecular consequence: missense variant.
Genome position (GRCh38, 1-based): chr12:110,914,186, C>T on the plus strand (G>A on the coding strand, the complement: MYL2 is on the minus strand). VCF-style: chr12-110914186-C-T. GRCh37 (hg19) VCF-style: chr12-111351990-C-T.
Other names: short protein forms G92R.
Identifiers: ClinVar variation 1437281 (VCV001437281.8), dbSNP rs1358384301, ClinGen allele CA386698637.

ClinVar aggregate classification (germline): Uncertain significance (1 of 4 stars; one submission).

Conditions:
Hypertrophic cardiomyopathy 10. Also called: MYL2-Related Familial Hypertrophic Cardiomyopathy; CARDIOMYOPATHY, HYPERTROPHIC, MID-LEFT VENTRICULAR CHAMBER TYPE, 2. Identifiers: MedGen C1834460, MONDO:0012112, OMIM 608758.

gnomAD v4.1: 1 of 1,610,130 alleles (0.000062%); highest among the groups gnomAD compares: African/African-American, 0.0013%; no homozygotes.

Submission:

Labcorp Genetics (formerly Invitae), Labcorp
Classification: Uncertain significance for Hypertrophic cardiomyopathy 10. Last evaluated: 2021-01-27. Review status: criteria provided, single submitter. Criteria: Invitae Variant Classification Sherloc (09022015). Collection method: clinical testing. Allele origin: germline.
Comment: This sequence change replaces glycine with arginine at codon 92 of the MYL2 protein (p.Gly92Arg). The glycine residue is highly conserved and there is a moderate physicochemical difference between glycine and arginine. This variant also falls at the last nucleotide of exon 4, which is part of the consensus splice site for this exon. This variant is not present in population databases (ExAC no frequency). This variant has not been reported in the literature in individuals with MYL2-related conditions. Algorithms developed to predict the effect of missense changes on protein structure and function (SIFT, PolyPhen-2, Align-GVGD) all suggest that this variant is likely to be disruptive, but these predictions have not been confirmed by published functional studies and their clinical significance is uncertain. Nucleotide substitutions within the consensus splice site are a relatively common cause of aberrant splicing (PMID: 17576681, 9536098). Algorithms developed to predict the effect of sequence changes on RNA splicing suggest that this variant may disrupt the consensus splice site, but this prediction has not been confirmed by published transcriptional studies. In summary, the available evidence is currently insufficient to determine the role of this variant in disease. Therefore, it has been classified as a Variant of Uncertain Significance.

Literature cited by the submitters: PubMed 17576681; PubMed 9536098.